The following is an entry in ClinVar:

ClinVar aggregate classification (germline): Likely benign (0 of 4 stars; one submission).

Conditions:
ROBO2-related disorder. Also called: ROBO2-related condition.

Allele frequency attached by ClinVar (database versions not stated): ExAC 0.00007; gnomAD 0.00008; TOPMed 0.00011; gnomAD exomes 0.00016.
gnomAD v4.1: 247 of 1,613,070 alleles (0.015%); highest among the groups gnomAD compares: Non-Finnish European, 0.019%; no homozygotes.

Submission:

PreventionGenetics, part of Exact Sciences
Classification: Likely benign for ROBO2-related condition. Last evaluated: 2019-07-24. Review status: no assertion criteria provided. Collection method: clinical testing. Allele origin: germline.
Comment: This variant is classified as likely benign based on ACMG/AMP sequence variant interpretation guidelines (Richards et al. 2015 PMID: 25741868, with internal and published modifications).

NM_001395656.1(ROBO2):c.1938T>C (p.His646=)

Gene: ROBO2 (roundabout guidance receptor 2; plus strand). Cytogenetic location: 3p12.3.
Variant type: single nucleotide variant.
Coding change: c.1938T>C on transcript NM_001395656.1 (MANE Select); coding-DNA position 1938, T replaced by C.
Protein change: p.His646=; no amino-acid change (histidine 646 retained).
Molecular consequence: synonymous variant.
Genome position (GRCh38, 1-based): chr3:77,568,389, T>C. VCF-style: chr3-77568389-T-C. GRCh37 (hg19) VCF-style: chr3-77617540-T-C.
Other names: c.1974T>C, p.His658= (NM_001128929.3); c.1938T>C, p.His646= (NM_001290039.2, NM_001290040.2, NM_001378202.1); c.147T>C, p.His49= (NM_001290065.2); c.1986T>C, p.His662= (NM_001378190.1, NM_001378191.1, NM_001378195.1 and 4 more transcripts); c.2007T>C, p.His669= (NM_001378192.1, NM_001378194.1, NM_001378198.1 and 2 more transcripts); c.1926T>C, p.His642= (NM_001378193.1, NM_001378197.1, NM_002942.5); c.1995T>C, p.His665= (NM_001394212.1, NM_001394214.1, NM_001395657.1).
Identifiers: ClinVar variation 3050068 (VCV003050068.2), dbSNP rs772003433, ClinGen allele CA2497197.